The following is an entry in ClinVar:

ClinVar aggregate classification (germline): Conflicting classifications of pathogenicity. Review status: criteria provided, conflicting classifications (1 of 4 stars). 4 submissions from 4 submitters: Uncertain significance (2); Benign (1). 1 of the submissions does not count toward it. Last evaluated 2026-05-22.

Conditions:
KIT-related disorder. Also called: KIT-related condition.
Hereditary cancer-predisposing syndrome. Also called: Hereditary neoplastic syndrome; Tumor predisposition; Hereditary Cancer Syndrome; Neoplastic Syndromes, Hereditary. Identifiers: Orphanet 140162, MedGen C0027672, MeSH D009386, MONDO:0015356.
Gastrointestinal stromal tumor. Also called: Gastrointestinal stroma tumor; Gastrointestinal stromal tumor, somatic. Identifiers: Orphanet 44890, MedGen C0238198, MeSH D046152, MONDO:0011719, OMIM 606764, HP:0100723.

Allele frequency attached by ClinVar (database versions not stated): gnomAD 0.00003 and 0.00004; gnomAD exomes 0.00004; TOPMed 0.00004; ExAC 0.00007.
gnomAD v4.1: 39 of 1,613,120 alleles (0.0024%); highest among the groups gnomAD compares: East Asian, 0.011%; no homozygotes.

Submissions (4):

PreventionGenetics, part of Exact Sciences
Classification: Uncertain significance for KIT-related condition. Last evaluated: 2026-05-22. Review status: criteria provided, single submitter. Criteria: ACMG Guidelines, 2015. Collection method: clinical testing. Allele origin: germline.
Comment: The KIT c.839C>T variant is predicted to result in the amino acid substitution p.Ala280Val. To our knowledge, this variant has not been reported in the literature. This variant is reported in 0.025% of alleles in individuals of African descent in gnomAD. This variant is classified as a uncertain variant in the ClinVar (Variation ID: 41605). Although we suspect that this variant may be benign, at this time, the clinical significance of this variant is uncertain due to the absence of conclusive functional and genetic evidence.

Labcorp Genetics (formerly Invitae), Labcorp
Classification: Uncertain significance for Gastrointestinal stromal tumor. Last evaluated: 2025-11-24. Review status: criteria provided, single submitter. Criteria: Invitae Variant Classification Sherloc (09022015). Collection method: clinical testing. Allele origin: germline.
Comment: This sequence change replaces alanine, which is neutral and non-polar, with valine, which is neutral and non-polar, at codon 280 of the KIT protein (p.Ala280Val). This variant is present in population databases (rs386833402, gnomAD 0.03%). This variant has not been reported in the literature in individuals affected with KIT-related conditions. ClinVar contains an entry for this variant (Variation ID: 41605). An algorithm developed to predict the effect of missense changes on protein structure and function outputs the following: PolyPhen-2: "Benign". The valine amino acid residue is found in multiple mammalian species, which suggests that this missense change does not adversely affect protein function. In summary, the available evidence is currently insufficient to determine the role of this variant in disease. Therefore, it has been classified as a Variant of Uncertain Significance.

Ambry Genetics
Classification: Benign for Hereditary cancer-predisposing syndrome. Last evaluated: 2024-07-08. Review status: criteria provided, single submitter. Criteria: Ambry Variant Classification Scheme 2023. Collection method: clinical testing. Allele origin: germline.

Biesecker Lab/Clinical Genomics Section, National Institutes of Health
Classification: Uncertain significance. Last evaluated: 2012-07-13. Review status: no assertion criteria provided. Collection method: research. Allele origin: germline. Affected: no. Observed: 1 variant allele. Study: ClinSeq. Not counted in ClinVar's aggregate classification.
ClinVar note: Converted during submission from variant of unknown significance to Uncertain significance.

NM_000222.3(KIT):c.839C>T (p.Ala280Val)

Gene: KIT (KIT proto-oncogene, receptor tyrosine kinase; plus strand). Cytogenetic location: 4q12.
Variant type: single nucleotide variant.
Coding change: c.839C>T on transcript NM_000222.3 (MANE Select); coding-DNA position 839, C replaced by T.
Protein change: p.Ala280Val; replaces alanine 280 with valine.
Molecular consequence: missense variant.
Genome position (GRCh38, 1-based): chr4:54,703,806, C>T. VCF-style: chr4-54703806-C-T. GRCh37 (hg19) VCF-style: chr4-55569972-C-T.
Other names: c.839C>T, p.Ala280Val (NM_001093772.2, NM_001385285.1, NM_001385286.1); c.842C>T, p.Ala281Val (NM_001385284.1, NM_001385288.1, NM_001385290.1 and 1 more transcripts); short protein forms A280V, A281V.
Identifiers: ClinVar variation 41605 (VCV000041605.18), dbSNP rs386833402, ClinGen allele CA215602.
Genomic context (GRCh38, chr4:54,703,806, plus strand): 5'-ATAGCTGGCATCACGGTGACTTCAATTATGAACGTCAGGCAACGTTGACTATCAGTTCAG[C>T]GAGAGTTAATGATTCTGGAGTGTTCATGTGTTATGCCAATAATACTTTTGGATCAGCAAA-3'
Protein context (NP_000213.1, residues 270-290): ERQATLTISS[Ala280Val]RVNDSGVFMC